The following is an entry in ClinVar:

NM_000540.3(RYR1):c.4945A>G (p.Ile1649Val)

Gene: RYR1 (ryanodine receptor 1; plus strand). Cytogenetic location: 19q13.2.
Variant type: single nucleotide variant.
Coding change: c.4945A>G on transcript NM_000540.3 (MANE Select); coding-DNA position 4945, A replaced by G.
Protein change: p.Ile1649Val; replaces isoleucine 1649 with valine.
Molecular consequence: missense variant.
Genome position (GRCh38, 1-based): chr19:38,485,600, A>G. VCF-style: chr19-38485600-A-G. GRCh37 (hg19) VCF-style: chr19-38976240-A-G.
Other names: c.4945A>G, p.Ile1649Val (NM_001042723.2); short protein forms I1649V.
Identifiers: ClinVar variation 3387725 (VCV003387725.2).
Genomic context (GRCh38, chr19:38,485,600, plus strand): 5'-TGCAGGAGGCTCATTCATCTGTCCCTGTCTGTTTCCCACCTCTGCTGCAGGTGCATGGAC[A>G]TCCTGGAGCTGTCGGAGCGCCTGGACCTGCAGCGCTTCCACTCGCACACCCTGCGCCTCT-3'
Protein context (NP_000531.2, residues 1639-1659): HIPEENRCMD[Ile1649Val]LELSERLDLQ

ClinVar aggregate classification (germline): Uncertain significance. Review status: criteria provided, multiple submitters, no conflicts (2 of 4 stars). 2 submissions from 2 submitters: Uncertain significance (2). Last evaluated 2024-07-20.

Conditions:
Malignant hyperthermia, susceptibility to, 1 (MHS1). Also called: Anesthesia related hyperthermia; Malignant hyperpyrexia; Fulminating hyperpyrexia; Pharmacogenic myopathy; RYR1-Related Malignant Hyperthermia Susceptibility; Malignant hyperthermia suceptibility 1. Identifiers: Orphanet 423, MedGen C2930980, MONDO:0007783, OMIM 145600.

gnomAD v4.1: 1 of 1,609,476 alleles (0.000062%); highest among the groups gnomAD compares: African/African-American, 0.0013%; no homozygotes.

Submissions (2):

All of Us Research Program, National Institutes of Health
Classification: Uncertain significance for Malignant hyperthermia, susceptibility to, 1. Last evaluated: 2024-07-20. Review status: criteria provided, single submitter. Criteria: ACMG Guidelines, 2015. Collection method: clinical testing. Allele origin: germline. Inheritance: Autosomal dominant inheritance. Observed: 1 variant allele, 1 heterozygote.
Comment: This missense variant replaces isoleucine with valine at codon 1649 of the RYR1 protein. Computational prediction suggests that this variant may not impact protein structure and function (internally defined REVEL score threshold <= 0.5, PMID: 27666373). To our knowledge, functional studies have not been reported for this variant. This variant has not been reported in individuals affected with RYR1-related disorders in the literature. This variant has not been identified in the general population by the Genome Aggregation Database (gnomAD). The available evidence is insufficient to determine the role of this variant in disease conclusively. Therefore, this variant is classified as a Variant of Uncertain Significance.

This study involves interpretation of variants in research participants for the purpose of population health screening. Participant phenotype was not available at the time of variant classification. Additional details can be found in publication PMID: 35346344, PMCID: PMC8962531

Color Diagnostics, LLC DBA Color Health
Classification: Uncertain significance for Malignant hyperthermia, susceptibility to, 1. Last evaluated: 2024-07-10. Review status: criteria provided, single submitter. Criteria: ACMG Guidelines, 2015. Collection method: clinical testing. Allele origin: germline.
Comment: This missense variant replaces isoleucine with valine at codon 1649 of the RYR1 protein. Computational prediction suggests that this variant may not impact protein structure and function. To our knowledge, functional studies have not been reported for this variant. This variant has not been reported in individuals affected with RYR1-related disorders in the literature. This variant has not been identified in the general population by the Genome Aggregation Database (gnomAD). The available evidence is insufficient to determine the role of this variant in disease conclusively. Therefore, this variant is classified as a Variant of Uncertain Significance.